The following is an entry in ClinVar:

ClinVar aggregate classification (germline): Uncertain significance (1 of 4 stars; one submission).

Conditions:
Congenital myasthenic syndrome 8. Also called: MYASTHENIC SYNDROME, CONGENITAL, DUE TO AGRIN DEFICIENCY; Myasthenic syndrome, congenital, 8, with pre- and postsynaptic defects. Identifiers: Orphanet 590, MedGen C3808739, MONDO:0014052, OMIM 615120.

Submission:

Labcorp Genetics (formerly Invitae), Labcorp
Classification: Uncertain significance for Congenital myasthenic syndrome 8. Last evaluated: 2024-01-05. Review status: criteria provided, single submitter. Criteria: Invitae Variant Classification Sherloc (09022015). Collection method: clinical testing. Allele origin: germline.
Comment: This sequence change replaces cysteine, which is neutral and slightly polar, with phenylalanine, which is neutral and non-polar, at codon 1338 of the AGRN protein (p.Cys1338Phe). This variant is not present in population databases (gnomAD no frequency). This variant has not been reported in the literature in individuals affected with AGRN-related conditions. An algorithm developed to predict the effect of missense changes on protein structure and function (PolyPhen-2) suggests that this variant is likely to be disruptive. In summary, the available evidence is currently insufficient to determine the role of this variant in disease. Therefore, it has been classified as a Variant of Uncertain Significance.

NM_198576.4(AGRN):c.4013G>T (p.Cys1338Phe)

Gene: AGRN (agrin; plus strand). Cytogenetic location: 1p36.33.
Variant type: single nucleotide variant.
Coding change: c.4013G>T on transcript NM_198576.4 (MANE Select); coding-DNA position 4013, G replaced by T.
Protein change: p.Cys1338Phe; replaces cysteine 1338 with phenylalanine.
Molecular consequence: missense variant.
Genome position (GRCh38, 1-based): chr1:1,048,273, G>T. VCF-style: chr1-1048273-G-T. GRCh37 (hg19) VCF-style: chr1-983653-G-T.
Other names: c.4013G>T, p.Cys1338Phe (NM_001305275.2); c.3698G>T, p.Cys1233Phe (NM_001364727.2); short protein forms C1233F, C1338F.
Identifiers: ClinVar variation 2707687 (VCV002707687.3), dbSNP rs2522751422, ClinGen allele CA337853306.